The following is an entry in ClinVar:

NM_000393.5(COL5A2):c.1514C>T (p.Pro505Leu)

Gene: COL5A2 (collagen type V alpha 2 chain; minus strand). Cytogenetic location: 2q32.2.
Variant type: single nucleotide variant.
Coding change: c.1514C>T on transcript NM_000393.5 (MANE Select); coding-DNA position 1514, C replaced by T.
Protein change: p.Pro505Leu; replaces proline 505 with leucine.
Molecular consequence: missense variant.
Genome position (GRCh38, 1-based): chr2:189,066,439, G>A on the plus strand (C>T on the coding strand, the complement: COL5A2 is on the minus strand). VCF-style: chr2-189066439-G-A. GRCh37 (hg19) VCF-style: chr2-189931165-G-A.
Other names: c.1514C>T (NM_000393.3); short protein forms P505L.
Identifiers: ClinVar variation 1511758 (VCV001511758.9), dbSNP rs1234716349, ClinGen allele CA349851295.
Genomic context (GRCh38, chr2:189,066,439, plus strand): 5'-TTTAAATTTACCCTTTCTCCCACTGGCCCTGGAGGACCAACTGTTCCTGGGTCACCTCTG[G>A]GACCTCTTTTGCCTTCTTCACCGGGTGGGCCTATCGGACCCTGAATACCATGTGGCCCCT-3'
Protein context (NP_000384.2, residues 495-515): GPPGEEGKRG[Pro505Leu]RGDPGTVGPP

ClinVar aggregate classification (germline): Conflicting classifications of pathogenicity. Review status: criteria provided, conflicting classifications (1 of 4 stars). 2 submissions from 2 submitters: Uncertain significance (1); Likely benign (1). Last evaluated 2024-09-04.

Conditions:
Ehlers-Danlos syndrome, classic type, 1 (EDSCL1). Also called: EHLERS-DANLOS SYNDROME, GRAVIS TYPE; EHLERS-DANLOS SYNDROME, SEVERE CLASSIC TYPE; Ehlers-Danlos syndrome, type 1; Ehlers-Danlos Syndrome, Classic Type, COL5A1-Related; EDS I. Identifiers: MedGen C0268335, MONDO:0019567, OMIM 130000.

Allele frequency attached by ClinVar (database versions not stated): gnomAD exomes 0.00001; TOPMed below 0.00001.
gnomAD v4.1: 9 of 1,614,086 alleles (0.00056%); highest among the groups gnomAD compares: Admixed American, 0.013%; no homozygotes.

Submissions (2):

GeneDx
Classification: Uncertain significance. Last evaluated: 2024-09-04. Review status: criteria provided, single submitter. Criteria: GeneDx Variant Classification Process June 2021. Collection method: clinical testing. Allele origin: germline. Affected: yes.
Comment: In silico analysis supports that this missense variant has a deleterious effect on protein structure/function; Has not been previously published as pathogenic or benign to our knowledge

Labcorp Genetics (formerly Invitae), Labcorp
Classification: Likely benign for Ehlers-Danlos syndrome, classic type, 1. Last evaluated: 2022-12-06. Review status: criteria provided, single submitter. Criteria: Invitae Variant Classification Sherloc (09022015). Collection method: clinical testing. Allele origin: germline.